The following is an entry in ClinVar:

NM_001365536.1(SCN9A):c.822A>G (p.Lys274=)

Gene: SCN9A (sodium voltage-gated channel alpha subunit 9; minus strand). Cytogenetic location: 2q24.3.
Variant type: single nucleotide variant.
Coding change: c.822A>G on transcript NM_001365536.1 (MANE Select); coding-DNA position 822, A replaced by G.
Protein change: p.Lys274=; no amino-acid change (lysine 274 retained).
Molecular consequence: synonymous variant.
Genome position (GRCh38, 1-based): chr2:166,303,169, T>C on the plus strand (A>G on the coding strand, the complement: SCN9A is on the minus strand). VCF-style: chr2-166303169-T-C. GRCh37 (hg19) VCF-style: chr2-167159679-T-C.
Other names: c.822A>G, p.Lys274= (NM_002977.4).
Identifiers: ClinVar variation 538490 (VCV000538490.19), dbSNP rs199784484, ClinGen allele CA1944654.

ClinVar aggregate classification (germline): Conflicting classifications of pathogenicity. Review status: criteria provided, conflicting classifications (1 of 4 stars). 7 submissions from 5 submitters: Uncertain significance (3); Likely benign (4). Last evaluated 2026-07-15.

Conditions:
Channelopathy-associated congenital insensitivity to pain, autosomal recessive. Also called: CONGENITAL ANALGESIA, AUTOSOMAL RECESSIVE; Insensitivity to pain, channelopathy-associated; ASYMBOLIA FOR PAIN. Identifiers: Orphanet 88642, Orphanet 970, MedGen C1855739, MONDO:0009459, OMIM 243000.
Paroxysmal extreme pain disorder (PEXPD). Also called: PAIN, SUBMANDIBULAR, OCULAR, AND RECTAL, WITH FLUSHING; RECTAL PAIN, FAMILIAL; SCN9A Paroxysmal Extreme Pain Disorder (SCN9A-PEPD). Identifiers: Orphanet 46348, MedGen C1833661, MONDO:0008179, OMIM 167400.
Primary erythromelalgia. Also called: SCN9A Erythromelalgia (SCN9A-EM); primary erythermalgia. Identifiers: Orphanet 306577, Orphanet 90026, MedGen C0014805, MONDO:0007571, OMIM 133020.
SCN9A-related disorder. Also called: SCN9A-related disorders; SCN9A-related condition.
Neuropathy, hereditary sensory and autonomic, type 2A (HSAN2A). Also called: MORVAN DISEASE; NEUROPATHY, CONGENITAL SENSORY; NEUROPATHY, HEREDITARY SENSORY RADICULAR, AUTOSOMAL RECESSIVE; NEUROPATHY, HEREDITARY SENSORY, TYPE IIA; NEUROPATHY, PROGRESSIVE SENSORY, OF CHILDREN; WNK1-Related HSAN2 (HSAN2A). Identifiers: Orphanet 970, MedGen C2752089, MONDO:0024309, OMIM 201300.
Generalized epilepsy with febrile seizures plus, type 7 (GEFSP7). Also called: GEFS+, TYPE 7. Identifiers: Orphanet 36387, MedGen C2751778, MONDO:0013470, OMIM 613863.

Allele frequency attached by ClinVar (database versions not stated): TOPMed 0.00002; gnomAD exomes 0.00003; ExAC 0.00004; gnomAD 0.00004.
gnomAD v4.1: 46 of 1,613,246 alleles (0.0029%); highest among the groups gnomAD compares: Non-Finnish European, 0.0038%; no homozygotes.

Submissions (7):

PreventionGenetics, part of Exact Sciences
Classification: Likely benign for SCN9A-related condition. Last evaluated: 2026-07-15. Review status: criteria provided, single submitter. Criteria: ACMG Guidelines, 2015. Collection method: clinical testing. Allele origin: germline.
Comment: This variant is classified as likely benign based on ACMG/AMP sequence variant interpretation guidelines (Richards et al. 2015 PMID: 25741868, with internal and published modifications).

CeGaT Center for Human Genetics Tuebingen
Classification: Likely benign. Last evaluated: 2026-06-01. Review status: criteria provided, single submitter. Criteria: CeGaT Center For Human Genetics Tuebingen Variant Classification Criteria Version 2. Collection method: clinical testing. Allele origin: germline. Affected: yes. Observed: 1 variant allele.
Comment: SCN9A: BP4, BP7

Labcorp Genetics (formerly Invitae), Labcorp
Classification: Likely benign for Neuropathy, hereditary sensory and autonomic, type 2A; Generalized epilepsy with febrile seizures plus, type 7. Last evaluated: 2026-01-28. Review status: criteria provided, single submitter. Criteria: Invitae Variant Classification Sherloc (09022015). Collection method: clinical testing. Allele origin: germline.

Blueprint Genetics
Classification: Likely benign. Last evaluated: 2019-12-03. Review status: criteria provided, single submitter. Criteria: ACMG Guidelines, 2015. Collection method: clinical testing. Allele origin: germline.

Illumina Laboratory Services, Illumina
Classification: Uncertain significance for Primary erythromelalgia. Last evaluated: 2018-01-13. Review status: criteria provided, single submitter. Criteria: ICSL Variant Classification Criteria 13 December 2019. Collection method: clinical testing. Allele origin: germline.

Illumina Laboratory Services, Illumina
Classification: Uncertain significance for Channelopathy-associated congenital insensitivity to pain, autosomal recessive. Last evaluated: 2018-01-13. Review status: criteria provided, single submitter. Criteria: ICSL Variant Classification Criteria 13 December 2019. Collection method: clinical testing. Allele origin: germline.

Illumina Laboratory Services, Illumina
Classification: Uncertain significance for Paroxysmal extreme pain disorder. Last evaluated: 2018-01-13. Review status: criteria provided, single submitter. Criteria: ICSL Variant Classification Criteria 13 December 2019. Collection method: clinical testing. Allele origin: germline.